The following is an entry in ClinVar:

ClinVar aggregate classification (germline): Uncertain significance. Review status: criteria provided, multiple submitters, no conflicts (2 of 4 stars). 2 submissions from 2 submitters: Uncertain significance (2). Last evaluated 2026-06-01.

Conditions:
Hereditary breast ovarian cancer syndrome. Also called: BRCA1- and BRCA2-Associated Hereditary Breast and Ovarian Cancer; Hereditary breast and ovarian cancer syndrome; Breast and ovarian cancer; Hereditary breast and/or ovarian cancer syndrome; Hereditary breast and ovarian cancer syndrome (HBOC); Hereditary breast and ovarian cancer. Identifiers: Orphanet 145, MedGen C0677776, MeSH D061325, MONDO:0003582. Disease mechanism: loss of function.
Hereditary cancer-predisposing syndrome. Also called: Tumor predisposition; Hereditary neoplastic syndrome; Neoplastic Syndromes, Hereditary; Hereditary Cancer Syndrome. Identifiers: Orphanet 140162, MedGen C0027672, MeSH D009386, MONDO:0015356.

Submissions (2):

Ambry Genetics
Classification: Uncertain significance for Hereditary cancer-predisposing syndrome. Last evaluated: 2026-06-01. Review status: criteria provided, single submitter. Criteria: Ambry Variant Classification Scheme 2023. Collection method: clinical testing. Allele origin: germline.
Comment: The p.S536C variant (also known as c.1607C>G), located in coding exon 9 of the BRCA2 gene, results from a C to G substitution at nucleotide position 1607. The serine at codon 536 is replaced by cysteine, an amino acid with dissimilar properties. This amino acid position is not well conserved in available vertebrate species. In addition, this alteration is predicted to be tolerated by in silico analysis. Based on the available evidence, the clinical significance of this variant remains unclear.

Labcorp Genetics (formerly Invitae), Labcorp
Classification: Uncertain significance for Hereditary breast ovarian cancer syndrome. Last evaluated: 2023-12-09. Review status: criteria provided, single submitter. Criteria: Invitae Variant Classification Sherloc (09022015). Collection method: clinical testing. Allele origin: germline.
Comment: This sequence change replaces serine, which is neutral and polar, with cysteine, which is neutral and slightly polar, at codon 536 of the BRCA2 protein (p.Ser536Cys). This variant is not present in population databases (gnomAD no frequency). This variant has not been reported in the literature in individuals affected with BRCA2-related conditions. Advanced modeling of protein sequence and biophysical properties (such as structural, functional, and spatial information, amino acid conservation, physicochemical variation, residue mobility, and thermodynamic stability) performed at Invitae indicates that this missense variant is not expected to disrupt BRCA2 protein function with a negative predictive value of 95%. In summary, the available evidence is currently insufficient to determine the role of this variant in disease. Therefore, it has been classified as a Variant of Uncertain Significance.

NM_000059.4(BRCA2):c.1607C>G (p.Ser536Cys)

Gene: BRCA2 (BRCA2 DNA repair associated; plus strand). Cytogenetic location: 13q13.1.
Variant type: single nucleotide variant.
Coding change: c.1607C>G on transcript NM_000059.4 (MANE Select); coding-DNA position 1607, C replaced by G.
Protein change: p.Ser536Cys; replaces serine 536 with cysteine.
Molecular consequence: missense variant. On other transcripts: non-coding transcript variant (1), intron variant (1).
Genome position (GRCh38, 1-based): chr13:32,333,085, C>G. VCF-style: chr13-32333085-C-G. GRCh37 (hg19) VCF-style: chr13-32907222-C-G.
Other names: c.1607C>G, p.Ser536Cys (NM_001406719.1, NM_001406720.1, NM_001406721.1); c.424+2055C>G (NM_001406722.1); short protein forms S536C.
Identifiers: ClinVar variation 2701427 (VCV002701427.4), dbSNP rs2137473160, ClinGen allele CA387764856.